The following is an entry in ClinVar:

ClinVar aggregate classification (germline): Uncertain significance (1 of 4 stars; one submission).

Submission:

GeneDx
Classification: Uncertain significance. Last evaluated: 2025-05-30. Review status: criteria provided, single submitter. Criteria: GeneDx Variant Classification Process June 2021. Collection method: clinical testing. Allele origin: germline. Affected: yes.
Comment: Not observed at significant frequency in large population cohorts (gnomAD); In silico analysis supports that this missense variant has a deleterious effect on protein structure/function; Has not been previously published as pathogenic or benign to our knowledge

NM_032590.5(KDM2B):c.3899T>C (p.Leu1300Pro)

Gene: KDM2B (lysine demethylase 2B; minus strand). Cytogenetic location: 12q24.31.
Variant type: single nucleotide variant.
Coding change: c.3899T>C on transcript NM_032590.5 (MANE Select); coding-DNA position 3899, T replaced by C.
Protein change: p.Leu1300Pro; replaces leucine 1300 with proline.
Molecular consequence: missense variant.
Genome position (GRCh38, 1-based): chr12:121,430,400, A>G on the plus strand (T>C on the coding strand, the complement: KDM2B is on the minus strand). VCF-style: chr12-121430400-A-G. GRCh37 (hg19) VCF-style: chr12-121868203-A-G.
Other names: c.3692T>C, p.Leu1231Pro (NM_001005366.2); c.3995T>C, p.Leu1332Pro (NM_001439014.1, NM_001439015.1); c.3977T>C, p.Leu1326Pro (NM_001439016.1); c.3899T>C, p.Leu1300Pro (NM_001439017.1, NM_001439018.1); c.3884T>C, p.Leu1295Pro (NM_001439020.1); c.3866T>C, p.Leu1289Pro (NM_001439021.1); c.3836T>C, p.Leu1279Pro (NM_001439022.1, NM_001439023.1); c.3806T>C, p.Leu1269Pro (NM_001439025.1, NM_001439026.1); and 3 more; short protein forms L1295P, L1300P, L1326P, L1332P, L740P, L1231P, L1241P, L1263P.
Identifiers: ClinVar variation 4536355 (VCV004536355.1).